The following is an entry in ClinVar:

NM_000051.4(ATM):c.5167G>T (p.Val1723Leu)

Gene: ATM (ATM serine/threonine kinase; plus strand). Cytogenetic location: 11q22.3.
Variant type: single nucleotide variant.
Coding change: c.5167G>T on transcript NM_000051.4 (MANE Select); coding-DNA position 5167, G replaced by T.
Protein change: p.Val1723Leu; replaces valine 1723 with leucine.
Molecular consequence: missense variant.
Genome position (GRCh38, 1-based): chr11:108,299,875, G>T. VCF-style: chr11-108299875-G-T. GRCh37 (hg19) VCF-style: chr11-108170602-G-T.
Other names: c.5167G>T, p.Val1723Leu (NM_001351834.2); short protein forms V1723L.
Identifiers: ClinVar variation 3451091 (VCV003451091.1).
Genomic context (GRCh38, chr11:108,299,875, plus strand): 5'-TTTGAAGATAAAGAACTTCAGTGGACCTTCATAATGCTGACCTACCTGAATAACACACTG[G>T]TAGAAGATTGGTGAGTATTTATTGATACCTTATATGTAATCTCAATATGACATTCATGGA-3'
Protein context (NP_000042.3, residues 1713-1733): IMLTYLNNTL[Val1723Leu]EDCVKVRSAA

ClinVar aggregate classification (germline): Uncertain significance (1 of 4 stars; one submission).

Conditions:
Hereditary cancer-predisposing syndrome. Also called: Tumor predisposition; Neoplastic Syndromes, Hereditary; Hereditary neoplastic syndrome; Hereditary Cancer Syndrome. Identifiers: Orphanet 140162, MedGen C0027672, MeSH D009386, MONDO:0015356.

Submission:

Ambry Genetics
Classification: Uncertain significance for Hereditary cancer-predisposing syndrome. Last evaluated: 2024-09-02. Review status: criteria provided, single submitter. Criteria: Ambry Variant Classification Scheme 2023. Collection method: clinical testing. Allele origin: germline.
Comment: The p.V1723L variant (also known as c.5167G>T), located in coding exon 33 of the ATM gene, results from a G to T substitution at nucleotide position 5167. The valine at codon 1723 is replaced by leucine, an amino acid with highly similar properties. This amino acid position is conserved. In addition, this alteration is predicted to be tolerated by in silico analysis. Based on the available evidence, the clinical significance of this variant remains unclear.